The following is an entry in ClinVar:

NM_014625.4(NPHS2):c.29G>C (p.Arg10Thr)

Gene: NPHS2 (NPHS2 stomatin family member, podocin; minus strand). Cytogenetic location: 1q25.2.
Variant type: single nucleotide variant.
Coding change: c.29G>C on transcript NM_014625.4 (MANE Select); coding-DNA position 29, G replaced by C.
Protein change: p.Arg10Thr; replaces arginine 10 with threonine.
Molecular consequence: missense variant.
Genome position (GRCh38, 1-based): chr1:179,575,836, C>G on the plus strand (G>C on the coding strand, the complement: NPHS2 is on the minus strand). VCF-style: chr1-179575836-C-G. GRCh37 (hg19) VCF-style: chr1-179544971-C-G.
Other names: c.29G>C, p.Arg10Thr (NM_001297575.2); short protein forms R10T.
Identifiers: ClinVar variation 2501205 (VCV002501205.2), dbSNP rs920479356, ClinGen allele CA33654147.

ClinVar aggregate classification (germline): Uncertain significance. Review status: criteria provided, multiple submitters, no conflicts (2 of 4 stars). 2 submissions from 2 submitters: Uncertain significance (2). Last evaluated 2024-01-24.

Conditions:
Nephrotic syndrome, type 2 (NPHS2). Also called: NEPHROTIC SYNDROME, STEROID-RESISTANT, AUTOSOMAL RECESSIVE. Identifiers: Orphanet 656, MedGen C1868672, MONDO:0010974, OMIM 600995.

Allele frequency attached by ClinVar (database versions not stated): gnomAD exomes 0.00001; gnomAD 0.00002.
gnomAD v4.1: 12 of 1,442,034 alleles (0.00083%); highest among the groups gnomAD compares: African/African-American, 0.003%; no homozygotes.

Submissions (2):

Fulgent Genetics
Classification: Uncertain significance for Nephrotic syndrome, type 2. Last evaluated: 2024-01-24. Review status: criteria provided, single submitter. Criteria: ACMG Guidelines, 2015. Collection method: clinical testing. Allele origin: germline.

Women's Health and Genetics/Laboratory Corporation of America, LabCorp
Classification: Uncertain significance. Last evaluated: 2023-03-21. Review status: criteria provided, single submitter. Criteria: LabCorp Variant Classification Summary - May 2015. Collection method: clinical testing. Allele origin: germline.
Comment: Variant summary: NPHS2 c.29G>C (p.Arg10Thr) results in a non-conservative amino acid change in the encoded protein sequence. Five of five in-silico tools predict a damaging effect of the variant on protein function. The variant was absent in 69986 control chromosomes. The available data on variant occurrences in the general population are insufficient to allow any conclusion about variant significance. c.29G>C has been reported in the literature as a variant of uncertain significance in individuals affected with sporadic Nephrotic Syndrome, Type 2 with focal segmental glomerulosclerosis who carry a second variant of conflicting pathogenicity (p.R229Q) or carry no second NPHS2 variant (Tonna_2008, Laurin_2014). These reports do not provide unequivocal conclusions about association of the variant with Nephrotic Syndrome, Type 2. To our knowledge, no experimental evidence demonstrating an impact on protein function has been reported. No clinical diagnostic laboratories have submitted clinical-significance assessments for this variant to ClinVar after 2014. Based on the evidence outlined above, the variant was classified as uncertain significance.

Literature cited by the submitters: PubMed 18823551 (cited by Women's Health and Genetics/Laboratory Corporation of America, LabCorp); PubMed 24500309 (cited by Women's Health and Genetics/Laboratory Corporation of America, LabCorp).